The following is an entry in ClinVar:

ClinVar aggregate classification (germline): Uncertain significance (1 of 4 stars; one submission).

Conditions:
T-cell immunodeficiency, congenital alopecia, and nail dystrophy. Also called: Congenital alopecia and nail dystrophy associated with severe functional T-cell immunodeficiency; Pignata Guarino syndrome. Identifiers: Orphanet 169095, MedGen C1866426, MONDO:0011132, OMIM 601705.

gnomAD v4.1: 1 of 1,608,716 alleles (0.000062%); highest among the groups gnomAD compares: Non-Finnish European, 0.000085%; no homozygotes.

Submission:

Labcorp Genetics (formerly Invitae), Labcorp
Classification: Uncertain significance for T-cell immunodeficiency, congenital alopecia, and nail dystrophy. Last evaluated: 2023-12-09. Review status: criteria provided, single submitter. Criteria: Invitae Variant Classification Sherloc (09022015). Collection method: clinical testing. Allele origin: germline.
Comment: This sequence change replaces proline, which is neutral and non-polar, with alanine, which is neutral and non-polar, at codon 229 of the FOXN1 protein (p.Pro229Ala). This variant is present in population databases (no rsID available, gnomAD 0.007%). This variant has not been reported in the literature in individuals affected with FOXN1-related conditions. An algorithm developed to predict the effect of missense changes on protein structure and function (PolyPhen-2) suggests that this variant is likely to be tolerated. In summary, the available evidence is currently insufficient to determine the role of this variant in disease. Therefore, it has been classified as a Variant of Uncertain Significance.

NM_001369369.1(FOXN1):c.685C>G (p.Pro229Ala)

Gene: FOXN1 (forkhead box N1; plus strand). Cytogenetic location: 17q11.2.
Variant type: single nucleotide variant.
Coding change: c.685C>G on transcript NM_001369369.1 (MANE Select); coding-DNA position 685, C replaced by G.
Protein change: p.Pro229Ala; replaces proline 229 with alanine.
Molecular consequence: missense variant.
Genome position (GRCh38, 1-based): chr17:28,527,347, C>G. VCF-style: chr17-28527347-C-G. GRCh37 (hg19) VCF-style: chr17-26854365-C-G.
Other names: c.685C>G, p.Pro229Ala (NM_003593.3); short protein forms P229A.
Identifiers: ClinVar variation 3011373 (VCV003011373.3), dbSNP rs763958930, ClinGen allele CA398322479.
Genomic context (GRCh38, chr17:28,527,347, plus strand): 5'-AGTGGTGCTGGGATGTTCTGCTACCAGCCTCCCTTGCAGCATATGTACTGCTCCTCCCAG[C>G]CCCCCTTCCACCAGGTGGGTCTGGGGCAAGTGGGCCTGCTTCCCCCAGGTCTGAGGATAT-3'
Protein context (NP_001356298.1, residues 219-239): PLQHMYCSSQ[Pro229Ala]PFHQYSPGGG